The following is an entry in ClinVar:

ClinVar aggregate classification (germline): Likely benign. Review status: criteria provided, multiple submitters, no conflicts (2 of 4 stars). 2 submissions from 2 submitters: Likely benign (2). Last evaluated 2026-07-01.

Allele frequency attached by ClinVar (database versions not stated): TOPMed 0.00005; gnomAD 0.00002; ExAC 0.00003.
gnomAD v4.1: 30 of 1,613,600 alleles (0.0019%); highest among the groups gnomAD compares: East Asian, 0.011%; no homozygotes.

Submissions (2):

CeGaT Center for Human Genetics Tuebingen
Classification: Likely benign. Last evaluated: 2026-07-01. Review status: criteria provided, single submitter. Criteria: CeGaT Center For Human Genetics Tuebingen Variant Classification Criteria Version 2. Collection method: clinical testing. Allele origin: germline. Affected: yes. Observed: 1 variant allele.
Comment: SHPK: BP4, BP7

Labcorp Genetics (formerly Invitae), Labcorp
Classification: Likely benign. Last evaluated: 2024-12-16. Review status: criteria provided, single submitter. Criteria: Invitae Variant Classification Sherloc (09022015). Collection method: clinical testing. Allele origin: germline.

NM_013276.4(SHPK):c.270G>A (p.Ser90=)

Gene: SHPK (sedoheptulokinase; minus strand). Cytogenetic location: 17p13.2.
Variant type: single nucleotide variant.
Coding change: c.270G>A on transcript NM_013276.4 (MANE Select); coding-DNA position 270, G replaced by A.
Protein change: p.Ser90=; no amino-acid change (serine 90 retained).
Molecular consequence: synonymous variant.
Genome position (GRCh38, 1-based): chr17:3,630,245, C>T on the plus strand (G>A on the coding strand, the complement: SHPK is on the minus strand). VCF-style: chr17-3630245-C-T. GRCh37 (hg19) VCF-style: chr17-3533539-C-T.
Identifiers: ClinVar variation 2972788 (VCV002972788.4), dbSNP rs748506401, ClinGen allele CA8291394.